The following is an entry in ClinVar:

ClinVar aggregate classification (germline): Uncertain significance (1 of 4 stars; one submission).

Conditions:
Charcot-Marie-Tooth disease type 2. Also called: Charcot-Marie-Tooth type 2. Identifiers: Orphanet 64746, MedGen C0270914, MONDO:0018993.

Submission:

Labcorp Genetics (formerly Invitae), Labcorp
Classification: Uncertain significance for Charcot-Marie-Tooth disease type 2. Last evaluated: 2020-05-27. Review status: criteria provided, single submitter. Criteria: Invitae Variant Classification Sherloc (09022015). Collection method: clinical testing. Allele origin: germline.
Comment: This variant results in a copy number gain of the genomic region encompassing the full coding sequence of the LMNA gene. The boundaries of this event are unknown as they extend beyond the assayed region for this gene and therefore may encompass additional genes. As the precise location of this event is unknown, it may be in tandem or it may be located elsewhere in the genome. This variant has not been reported in the literature in individuals with LMNA-related conditions. In summary, the available evidence is currently insufficient to determine the role of this variant in disease. Therefore, it has been classified as a Variant of Uncertain Significance.

NC_000001.10:g.(?_156084707)_(156108897_?)dup

Gene: LMNA (lamin A/C; plus strand). Cytogenetic location: 1q22.
Variant type: Duplication.
Identifiers: ClinVar variation 1008527 (VCV001008527.2).